The following is an entry in ClinVar:

ClinVar aggregate classification (germline): Uncertain significance (1 of 4 stars; one submission).

gnomAD v4.1: 1 of 1,602,306 alleles (0.000062%); highest among the groups gnomAD compares: Admixed American, 0.0017%; no homozygotes.

Submission:

GeneDx
Classification: Uncertain significance. Last evaluated: 2023-06-28. Review status: criteria provided, single submitter. Criteria: GeneDx Variant Classification Process June 2021. Collection method: clinical testing. Allele origin: germline. Affected: yes.
Comment: Not observed at significant frequency in large population cohorts (gnomAD); In silico analysis supports that this missense variant has a deleterious effect on protein structure/function; Has not been previously published as pathogenic or benign to our knowledge

NM_000334.4(SCN4A):c.1147A>G (p.Asn383Asp)

Gene: SCN4A (sodium voltage-gated channel alpha subunit 4; minus strand). Cytogenetic location: 17q23.3.
Variant type: single nucleotide variant.
Coding change: c.1147A>G on transcript NM_000334.4 (MANE Select); coding-DNA position 1147, A replaced by G.
Protein change: p.Asn383Asp; replaces asparagine 383 with aspartic acid.
Molecular consequence: missense variant.
Genome position (GRCh38, 1-based): chr17:63,966,197, T>C on the plus strand (A>G on the coding strand, the complement: SCN4A is on the minus strand). VCF-style: chr17-63966197-T-C. GRCh37 (hg19) VCF-style: chr17-62043557-T-C.
Other names: short protein forms N383D.
Identifiers: ClinVar variation 3360562 (VCV003360562.1).